The following is an entry in ClinVar:

NM_004304.5(ALK):c.1254C>A (p.Asp418Glu)

Gene: ALK (ALK receptor tyrosine kinase; minus strand). Cytogenetic location: 2p23.2.
Variant type: single nucleotide variant.
Coding change: c.1254C>A on transcript NM_004304.5 (MANE Select); coding-DNA position 1254, C replaced by A.
Protein change: p.Asp418Glu; replaces aspartic acid 418 with glutamic acid.
Molecular consequence: missense variant.
Genome position (GRCh38, 1-based): chr2:29,383,760, G>T on the plus strand (C>A on the coding strand, the complement: ALK is on the minus strand). VCF-style: chr2-29383760-G-T. GRCh37 (hg19) VCF-style: chr2-29606626-G-T.
Other names: short protein forms D418E.
Identifiers: ClinVar variation 1010130 (VCV001010130.8), dbSNP rs1668962410, ClinGen allele CA346585128.

ClinVar aggregate classification (germline): Uncertain significance (1 of 4 stars; one submission).

Conditions:
Neuroblastoma, susceptibility to, 3. Also called: ALK-Related Neuroblastic Tumor Susceptibility. Identifiers: Orphanet 635, MedGen C2751681, MONDO:0013083, OMIM 613014.

Submission:

Labcorp Genetics (formerly Invitae), Labcorp
Classification: Uncertain significance for Neuroblastoma, susceptibility to, 3. Last evaluated: 2024-04-29. Review status: criteria provided, single submitter. Criteria: Invitae Variant Classification Sherloc (09022015). Collection method: clinical testing. Allele origin: germline.
Comment: This sequence change replaces aspartic acid, which is acidic and polar, with glutamic acid, which is acidic and polar, at codon 418 of the ALK protein (p.Asp418Glu). This variant is not present in population databases (gnomAD no frequency). This variant has not been reported in the literature in individuals affected with ALK-related conditions. ClinVar contains an entry for this variant (Variation ID: 1010130). An algorithm developed to predict the effect of missense changes on protein structure and function (PolyPhen-2) suggests that this variant is likely to be tolerated. In summary, the available evidence is currently insufficient to determine the role of this variant in disease. Therefore, it has been classified as a Variant of Uncertain Significance.